The following is an entry in ClinVar:

ClinVar aggregate classification (germline): Conflicting classifications of pathogenicity. Review status: criteria provided, conflicting classifications (1 of 4 stars). 3 submissions from 3 submitters: Likely pathogenic (1); Uncertain significance (1). 1 of the submissions does not count toward it. Last evaluated 2023-10-14.

Conditions:
Charcot-Marie-Tooth disease. Also called: Charcot-Marie-Tooth Neuropathy; Charcot-Marie-Tooth Hereditary Neuropathy. Identifiers: Orphanet 166, MedGen C0007959, MONDO:0015626.
Charcot-Marie-Tooth disease, type I (CMT1). Also called: Charcot-Marie-Tooth disease type 1; Charcot-Marie-Tooth, Type 1. Identifiers: Orphanet 65753, MedGen C0751036, MONDO:0019011.

Allele frequency attached by ClinVar (database versions not stated): gnomAD exomes below 0.00001.
gnomAD v4.1: 4 of 1,614,268 alleles (0.00025%); highest among the groups gnomAD compares: Non-Finnish European, 0.00034%; no homozygotes.

Submissions (3):

Labcorp Genetics (formerly Invitae), Labcorp
Classification: Uncertain significance for Charcot-Marie-Tooth disease, type I. Last evaluated: 2023-10-14. Review status: criteria provided, single submitter. Criteria: Invitae Variant Classification Sherloc (09022015). Collection method: clinical testing. Allele origin: germline.
Comment: This sequence change replaces arginine, which is basic and polar, with glycine, which is neutral and non-polar, at codon 36 of the MPZ protein (p.Arg36Gly). This variant is present in population databases (no rsID available, gnomAD 0.0009%). This missense change has been observed in individual(s) with hereditary sensory and motor neuropathy (PMID: 23279346). ClinVar contains an entry for this variant (Variation ID: 420151). Advanced modeling of protein sequence and biophysical properties (such as structural, functional, and spatial information, amino acid conservation, physicochemical variation, residue mobility, and thermodynamic stability) performed at Invitae indicates that this missense variant is not expected to disrupt MPZ protein function. This variant disrupts the p.Arg36 amino acid residue in MPZ. Other variant(s) that disrupt this residue have been determined to be pathogenic (PMID: 16616847, 26310628). This suggests that this residue is clinically significant, and that variants that disrupt this residue are likely to be disease-causing. In summary, the available evidence is currently insufficient to determine the role of this variant in disease. Therefore, it has been classified as a Variant of Uncertain Significance.

GeneDx
Classification: Likely pathogenic. Last evaluated: 2017-02-24. Review status: criteria provided, single submitter. Criteria: GeneDx Variant Classification (06012015). Collection method: clinical testing. Allele origin: germline. Affected: yes.
Comment: The R36G variant is not observed in large population cohorts (Lek et al., 2016; 1000 Genomes Consortium et al., 2015; Exome Variant Server). The R36G variant is a non-conservative amino acid substitution, which is likely to impact secondary protein structure as these residues differ in polarity, charge, size and/or other properties. Furthermore, multiple missense variants in nearby residues and at the same residue (R36W) have been reported in the Human Gene Mutation Database in association with MPZ-related disorders (Stenson et al., 2014), supporting the functional importance of this region of the protein. However, this substitution occurs at a position that is not conserved. In silico analysis is inconsistent in its predictions as to whether or not the variant is damaging to the protein structure/function. Therefore, this variant is likely pathogenic; however, the possibility that it is benign cannot be excluded.

Inherited Neuropathy Consortium
Classification: Uncertain significance for Charcot-Marie-Tooth disease. Review status: no assertion criteria provided. Collection method: literature only. Allele origin: germline. Affected: yes. Not counted in ClinVar's aggregate classification.

Literature cited by the submitters: PubMed 23279346 (cited by Labcorp Genetics (formerly Invitae), Labcorp and Inherited Neuropathy Consortium); PubMed 16616847 (cited by Labcorp Genetics (formerly Invitae), Labcorp); PubMed 26310628 (cited by Labcorp Genetics (formerly Invitae), Labcorp).

NM_000530.8(MPZ):c.106A>G (p.Arg36Gly)

Gene: MPZ (myelin protein zero; minus strand). Cytogenetic location: 1q23.3.
Variant type: single nucleotide variant.
Coding change: c.106A>G on transcript NM_000530.8 (MANE Select); coding-DNA position 106, A replaced by G.
Protein change: p.Arg36Gly; replaces arginine 36 with glycine.
Molecular consequence: missense variant.
Genome position (GRCh38, 1-based): chr1:161,307,386, T>C on the plus strand (A>G on the coding strand, the complement: MPZ is on the minus strand). VCF-style: chr1-161307386-T-C. GRCh37 (hg19) VCF-style: chr1-161277176-T-C.
Other names: c.106A>G (LRG_256t1); c.106A>G, p.Arg36Gly (NM_001315491.2); short protein forms R36G.
Identifiers: ClinVar variation 420151 (VCV000420151.6), dbSNP rs864622732, ClinGen allele CA16617016.
Genomic context (GRCh38, chr1:161,307,386, plus strand): 5'-CACTGGACCAGAAGGAGCAGTGCAGGGTCACCCGGGAGCCCACAGCACCATGGACCTCCC[T>C]GTCGGTGTAAACCACGATGGCCTGGGCCGGGGACAGCACTGCAAGCACAAAGTGGGGAAT-3'
Protein context (NP_000521.2, residues 26-46): PAQAIVVYTD[Arg36Gly]EVHGAVGSRV